The following is an entry in ClinVar:

NM_004329.3(BMPR1A):c.-268+1463_-268+1465dup

Gene: BMPR1A (bone morphogenetic protein receptor type 1A; plus strand). Cytogenetic location: 10q23.2.
Variant type: Duplication.
Coding change: c.-268+1463_-268+1465dup on transcript NM_004329.3 (MANE Select); bases 1463 to 1465 of the intron after 268 bases upstream of the start codon, 3 bases duplicated (TTT; older notation c.-268+1463_-268+1465dupTTT).
Molecular consequence: intron variant.
Genome position (GRCh38, 1-based): chr10:86,758,382-86,758,384, TTT duplicated; duplicating any 3 consecutive bases within chr10:86,758,368-86,758,384 gives the same sequence; the c. name uses the placement nearest the transcript's 3' end. VCF-style (leftmost placement, unchanged base first): chr10-86758367-A-ATTT. GRCh37 (hg19) VCF-style: chr10-88518124-A-ATTT.
Identifiers: ClinVar variation 1702793 (VCV001702793.2), dbSNP rs200528013, ClinGen allele CA595047187.
Genomic context (GRCh38, chr10:86,758,367, plus strand): 5'-GAGCTCCTTCATTAAATTCCTTCTGTTACTGGCTTCTTAACCTTCCGTCAAAGAGGGAGA[A>ATTT]TTTTTTTTTTTTTTTTTGTCTTTCTTATTAGTTAACACCTTGGGGTTTTTTTCCTTTCCT-3'

ClinVar aggregate classification (germline): Likely benign (1 of 4 stars; one submission).

Submission:

GeneDx
Classification: Likely benign. Last evaluated: 2021-06-04. Review status: criteria provided, single submitter. Criteria: GeneDx Variant Classification Process June 2021. Collection method: clinical testing. Allele origin: germline. Affected: yes.
Comment: See Variant Classification Assertion Criteria.